The following is an entry in ClinVar:

ClinVar aggregate classification (germline): Uncertain significance (1 of 4 stars; one submission).

Allele frequency attached by ClinVar (database versions not stated): gnomAD 0.00001; gnomAD exomes 0.00001; ExAC 0.00002.
gnomAD v4.1: 15 of 1,614,014 alleles (0.00093%); highest among the groups gnomAD compares: South Asian, 0.0044%; no homozygotes.

Submission:

Labcorp Genetics (formerly Invitae), Labcorp
Classification: Uncertain significance. Last evaluated: 2022-07-25. Review status: criteria provided, single submitter. Criteria: Invitae Variant Classification Sherloc (09022015). Collection method: clinical testing. Allele origin: germline.
Comment: Algorithms developed to predict the effect of missense changes on protein structure and function (SIFT, PolyPhen-2, Align-GVGD) all suggest that this variant is likely to be tolerated. In summary, the available evidence is currently insufficient to determine the role of this variant in disease. Therefore, it has been classified as a Variant of Uncertain Significance. ClinVar contains an entry for this variant (Variation ID: 1045344). This variant has not been reported in the literature in individuals affected with SPART-related conditions. This variant is present in population databases (rs553578965, gnomAD 0.006%). This sequence change replaces lysine, which is basic and polar, with arginine, which is basic and polar, at codon 440 of the SPART protein (p.Lys440Arg).

NM_015087.5(SPART):c.1319A>G (p.Lys440Arg)

Gene: SPART (spartin; minus strand). Cytogenetic location: 13q13.3.
Variant type: single nucleotide variant.
Coding change: c.1319A>G on transcript NM_015087.5 (MANE Select); coding-DNA position 1319, A replaced by G.
Protein change: p.Lys440Arg; replaces lysine 440 with arginine.
Molecular consequence: missense variant.
Genome position (GRCh38, 1-based): chr13:36,314,391, T>C on the plus strand (A>G on the coding strand, the complement: SPART is on the minus strand). VCF-style: chr13-36314391-T-C. GRCh37 (hg19) VCF-style: chr13-36888528-T-C.
Other names: c.1319A>G, p.Lys440Arg (NM_001142294.2, NM_001142295.2, NM_001142296.2); short protein forms K440R.
Identifiers: ClinVar variation 1045344 (VCV001045344.7), dbSNP rs553578965, ClinGen allele CA6949417.